The following is an entry in ClinVar:

NM_005732.4(RAD50):c.1794-1G>T

Gene: RAD50 (RAD50 double strand break repair protein; plus strand). Cytogenetic location: 5q31.1.
Variant type: single nucleotide variant.
Coding change: c.1794-1G>T on transcript NM_005732.4 (MANE Select); the canonical splice acceptor site of the intron before coding-DNA position 1794, G replaced by T.
Molecular consequence: splice acceptor variant.
Genome position (GRCh38, 1-based): chr5:132,594,868, G>T. VCF-style: chr5-132594868-G-T. GRCh37 (hg19) VCF-style: chr5-131930560-G-T.
Identifiers: ClinVar variation 141433 (VCV000141433.17), dbSNP rs587781742, ClinGen allele CA165395.
Genomic context (GRCh38, chr5:132,594,868, plus strand): 5'-CAAATTTTCAAACTAATTTCTCCTATTTTAAAATGAAAATCCATATTTGCTCTTATTTTA[G>T]CAAGGAACTAGCTTCATCTGAGCAGAATAAAAATCATATAAATAATGAACTAAAAAGAAA-3'

ClinVar aggregate classification (germline): Pathogenic/Likely pathogenic. Review status: criteria provided, multiple submitters, no conflicts (2 of 4 stars). 2 submissions from 2 submitters: Pathogenic (1); Likely pathogenic (1). Last evaluated 2024-06-14.

Conditions:
Hereditary cancer-predisposing syndrome. Also called: Neoplastic Syndromes, Hereditary; Tumor predisposition; Hereditary Cancer Syndrome; Hereditary neoplastic syndrome. Identifiers: Orphanet 140162, MedGen C0027672, MeSH D009386, MONDO:0015356.

gnomAD v4.1: 28 of 1,598,950 alleles (0.0018%); highest among the groups gnomAD compares: Non-Finnish European, 0.0023%; no homozygotes.

Submissions (4):

Ambry Genetics
Classification: Likely pathogenic for Hereditary cancer-predisposing syndrome. Last evaluated: 2024-06-14. Review status: criteria provided, single submitter. Criteria: Ambry Variant Classification Scheme 2023. Collection method: clinical testing. Allele origin: germline.
Comment: The c.1794-1G>T intronic variant results from a G to T substitution one nucleotide upstream from coding exon 12 of the RAD50 gene. This nucleotide position is highly conserved in available vertebrate species. In silico splice site analysis predicts that this alteration will weaken the native splice acceptor site and will result in the creation or strengthening of a novel splice acceptor site. RNA studies have demonstrated that this alteration results in abnormal splicing in the set of samples tested (Ambry internal data). Alterations that disrupt the canonical splice site are expected to cause aberrant splicing, resulting in an abnormal protein or a transcript that is subject to nonsense-mediated mRNA decay. As such, this alteration is classified as likely pathogenic.

Labcorp Genetics (formerly Invitae), Labcorp
Classification: Pathogenic for Hereditary cancer-predisposing syndrome. Last evaluated: 2023-10-12. Review status: criteria provided, single submitter. Criteria: Invitae Variant Classification Sherloc (09022015). Collection method: clinical testing. Allele origin: germline.
Comment: This sequence change affects an acceptor splice site in intron 11 of the RAD50 gene. RNA analysis indicates that disruption of this splice site induces altered splicing and may result in an absent or disrupted protein product. This variant is present in population databases (rs587781742, gnomAD 0.002%). Disruption of this splice site has been observed in individual(s) with ovarian cancer (PMID: 29053726). ClinVar contains an entry for this variant (Variation ID: 141433). Studies have shown that disruption of this splice site results in activation of a cryptic splice site and introduces a premature termination codon (Invitae). The resulting mRNA is expected to undergo nonsense-mediated decay. For these reasons, this variant has been classified as Pathogenic.

Dr. Peter K. Rogan Lab, Western University
No classification provided (evidence only). Condition: Malignant tumor of esophagus. Review status: no classification provided. Collection method: in vitro. Allele origin: not applicable. Functional consequence: cryptic splice site, retained intron. Not counted in ClinVar's aggregate classification.

Dr. Peter K. Rogan Lab, Western University
No classification provided (evidence only). Condition: Lymphoma. Review status: no classification provided. Collection method: in vitro. Allele origin: not applicable. Functional consequence: cryptic splice site. Not counted in ClinVar's aggregate classification.

Literature cited by the submitters: PubMed 28152038 (cited by Ambry Genetics); PubMed 29053726 (cited by Labcorp Genetics (formerly Invitae), Labcorp).